The following is an entry in ClinVar:

ClinVar aggregate classification (germline): Uncertain significance (1 of 4 stars; one submission).

Conditions:
Acute refractory chorea.

Submission:

Human Genome Lab, NIMHANS, National Institute of Mental Health and Neuro Sciences
Classification: Uncertain significance for Acute refractory chorea. Review status: criteria provided, single submitter. Criteria: ACMG Guidelines, 2015. Collection method: clinical testing. Allele origin: germline. Inheritance: Autosomal recessive inheritance. Affected: yes. Observed: 1 homozygote.
Comment: The missense variant NM_024678.6(NARS2):c.1030G>C (p.Gly344Arg) has not been reported previously as a pathogenic variant nor as a benign variant, to our knowledge. The p.Gly344Arg variant is novel in 1kG All and gnomAD v4.0 Joint frequencies. There is a moderate physicochemical difference between glycine and arginine. The p.Gly344Arg missense variant is predicted to be damaging by both SIFT and PolyPhen2. Alpha Missense also classifies this variant as pathogenic. The glycine residue at codon 344 of NARS2 is conserved in all mammalian species. The nucleotide c.1030 in NARS2 is predicted conserved by GERP++ and PhyloP across 100 vertebrates. For these reasons, this variant has been classified as Uncertain Significance.

NM_024678.6(NARS2):c.1030G>C (p.Gly344Arg)

Gene: NARS2 (asparaginyl-tRNA synthetase 2, mitochondrial; minus strand). Cytogenetic location: 11q14.1.
Variant type: single nucleotide variant.
Coding change: c.1030G>C on transcript NM_024678.6 (MANE Select); coding-DNA position 1030, G replaced by C.
Protein change: p.Gly344Arg; replaces glycine 344 with arginine.
Molecular consequence: missense variant. On other transcripts: non-coding transcript variant (4), intron variant (2).
Genome position (GRCh38, 1-based): chr11:78,466,010, C>G on the plus strand (G>C on the coding strand, the complement: NARS2 is on the minus strand). VCF-style: chr11-78466010-C-G. GRCh37 (hg19) VCF-style: chr11-78177056-C-G.
Other names: c.349G>C, p.Gly117Arg (NM_001243251.2, NM_001425312.1, NM_001425313.1 and 1 more transcripts); c.1153G>C, p.Gly385Arg (NM_001425299.1); c.1030G>C, p.Gly344Arg (NM_001425300.1, NM_001425305.1); c.958G>C, p.Gly320Arg (NM_001425301.1); c.949G>C, p.Gly317Arg (NM_001425302.1, NM_001425303.1); c.802G>C, p.Gly268Arg (NM_001425307.1); c.799G>C, p.Gly267Arg (NM_001425308.1); c.760G>C, p.Gly254Arg (NM_001425309.1); and 4 more; short protein forms G117R, G127R, G158R, G254R, G267R, G268R, G317R, G320R.
Identifiers: ClinVar variation 3900620 (VCV003900620.1).